The following is an entry in ClinVar:

ClinVar aggregate classification (germline): Conflicting classifications of pathogenicity. Review status: criteria provided, conflicting classifications (1 of 4 stars). 3 submissions from 3 submitters: Likely pathogenic (1); Uncertain significance (2). Last evaluated 2021-03-05.

Conditions:
Intellectual disability. Also called: Intellectual functioning disability; Intellectual developmental disorder; intellectual disabilities. Identifiers: MedGen C3714756, MeSH D008607, MONDO:0001071, HP:0001249.
Encephalopathy, progressive, early-onset, with episodic rhabdomyolysis. Identifiers: MedGen C5193033, MONDO:0032681, OMIM 618331.

gnomAD v4.1: 4 of 1,582,056 alleles (0.00025%); highest among the groups gnomAD compares: Non-Finnish European, 0.00026%; no homozygotes.

Submissions (3):

New York Genome Center
Classification: Uncertain significance for Encephalopathy, progressive, early-onset, with episodic rhabdomyolysis. Last evaluated: 2021-03-05. Review status: criteria provided, single submitter. Criteria: NYGC Assertion Criteria 2020. Collection method: clinical testing. Allele origin: inherited. Observed: 1 homozygote. Study: CSER-NYCKidSeq.
Comment: The variant c.5C>G, p.Ala2Gly has been reported in homozygous state in three siblings with intellectual disability [PMID:32843486]. The variant is absent fromgnomAD v3.1 database indicating this is a rare variant and in silico tools predict conflicting interpretation of pathogenicity. In vitro functional studies provide some evidence that the c.5C>G, p.Ala2Gly variant may impact protein function [PMID: 32843486]. Based on the available evidence, the variant c.5C>G, p.Ala2Gly in the TRAPPC2L gene is classified as Variant of Uncertain Significance.

Broad Center for Mendelian Genomics, Broad Institute of MIT and Harvard
Classification: Uncertain significance for Intellectual disability. Last evaluated: 2020-11-16. Review status: criteria provided, single submitter. Criteria: ACMG Guidelines, 2015. Collection method: curation. Allele origin: germline. Inheritance: Autosomal recessive inheritance.
Comment: The homozygous p.Ala2Gly variant in TRAPPC2L was identified by our study in 3 siblings with intellectual disability (PMID: 32843486). The variant has not been previously reported in individuals with intellectual disability and has been identified in 0.02% (2/8916) of Ashkenazi Jewish chromosomes by the Genome Aggregation Database (gnomAD; dbSNP rs751046231). Although this variant has been seen in the general population in a heterozygous state, its frequency is not high enough to rule out a pathogenic role. This variant has also been reported in the same family in ClinVar as (Variation ID#: 932239) and has been interpreted as likely pathogenic by Wendy Chung Laboratory, Columbia University Medical Center. In vitro functional studies provide some evidence that the p.Ala2Gly variant may impact protein function (PMID: 32843486). However, these types of assays may not accurately represent biological function. Computational prediction tools and conservation analyses do not provide strong support for or against an impact to the protein. In summary, while there is some suspicion for a pathogenic role, the clinical significance of this variant is uncertain. ACMG/AMP Criteria applied: PS3_moderate, PM3_supporting, PP1 (Richards 2015).

Wendy Chung Laboratory, Boston Children's Hospital
Classification: Likely pathogenic for Encephalopathy, progressive, early-onset, with episodic rhabdomyolysis. Last evaluated: 2020-05-25. Review status: criteria provided, single submitter. Criteria: ACMG Guidelines, 2015. Collection method: research. Allele origin: inherited. Inheritance: Autosomal recessive inheritance. Affected: yes and no. Observed: 6 variant alleles, 3 heterozygotes, 3 homozygotes. Clinical features observed: Global developmental delay (HP:0001263), Severe expressive language delay (HP:0006863), Limb dystonia (HP:0002451).

Literature cited by the submitters: PubMed 32843486 (cited by Broad Center for Mendelian Genomics, Broad Institute of MIT and Harvard).

NM_001318525.2(TRAPPC2L):c.5C>G (p.Ala2Gly)

Gene: TRAPPC2L (trafficking protein particle complex subunit 2L; plus strand). Cytogenetic location: 16q24.3.
Variant type: single nucleotide variant.
Coding change: c.5C>G on transcript NM_001318525.2 (MANE Select); coding-DNA position 5, C replaced by G.
Protein change: p.Ala2Gly; replaces alanine 2 with glycine.
Molecular consequence: missense variant. On other transcripts: 5 prime UTR variant (6), non-coding transcript variant (1).
Genome position (GRCh38, 1-based): chr16:88,857,155, C>G. VCF-style: chr16-88857155-C-G. GRCh37 (hg19) VCF-style: chr16-88923563-C-G.
Other names: c.5C>G (NM_001318525.1); c.5C>G, p.Ala2Gly (NM_001318524.2, NM_016209.5); c.-91C>G (NM_001318526.2); c.-405C>G (NM_001318527.2, NM_001318529.2, NM_001318532.2); c.-63C>G (NM_001318528.2, NM_001318530.2); short protein forms A2G.
Identifiers: ClinVar variation 932239 (VCV000932239.6), dbSNP rs751046231, ClinGen allele CA8235458.